The following is an entry in ClinVar:

NM_032043.3(BRIP1):c.1982G>T (p.Cys661Phe)

Gene: BRIP1 (BRCA1 interacting DNA helicase 1; minus strand). Cytogenetic location: 17q23.2.
Variant type: single nucleotide variant.
Coding change: c.1982G>T on transcript NM_032043.3 (MANE Select); coding-DNA position 1982, G replaced by T.
Protein change: p.Cys661Phe; replaces cysteine 661 with phenylalanine.
Molecular consequence: missense variant.
Genome position (GRCh38, 1-based): chr17:61,776,516, C>A on the plus strand (G>T on the coding strand, the complement: BRIP1 is on the minus strand). VCF-style: chr17-61776516-C-A. GRCh37 (hg19) VCF-style: chr17-59853877-C-A.
Other names: short protein forms C661F.
Identifiers: ClinVar variation 960008 (VCV000960008.10), dbSNP rs1160736353, ClinGen allele CA400478475.

ClinVar aggregate classification (germline): Uncertain significance (1 of 4 stars; one submission).

Conditions:
Familial cancer of breast. Also called: Hereditary breast cancer; BREAST CANCER, FAMILIAL; hereditary breast carcinoma. Identifiers: Orphanet 227535, MedGen C0346153, MONDO:0016419, OMIM 114480. Disease mechanism: loss of function.
Fanconi anemia complementation group J. Also called: BRIP1-Related Fanconi Anemia. Identifiers: Orphanet 84, MedGen C1836860, MONDO:0012187, OMIM 609054.

Submission:

Labcorp Genetics (formerly Invitae), Labcorp
Classification: Uncertain significance for Familial cancer of breast; Fanconi anemia complementation group J. Last evaluated: 2022-09-19. Review status: criteria provided, single submitter. Criteria: Invitae Variant Classification Sherloc (09022015). Collection method: clinical testing. Allele origin: germline.
Comment: In summary, the available evidence is currently insufficient to determine the role of this variant in disease. Therefore, it has been classified as a Variant of Uncertain Significance. Advanced modeling of protein sequence and biophysical properties (such as structural, functional, and spatial information, amino acid conservation, physicochemical variation, residue mobility, and thermodynamic stability) has been performed at Invitae for this missense variant, however the output from this modeling did not meet the statistical confidence thresholds required to predict the impact of this variant on BRIP1 protein function. ClinVar contains an entry for this variant (Variation ID: 960008). This variant has not been reported in the literature in individuals affected with BRIP1-related conditions. This variant is not present in population databases (gnomAD no frequency). This sequence change replaces cysteine, which is neutral and slightly polar, with phenylalanine, which is neutral and non-polar, at codon 661 of the BRIP1 protein (p.Cys661Phe).